The following is an entry in ClinVar:

NM_014915.3(ANKRD26):c.2944A>G (p.Thr982Ala)

Gene: ANKRD26 (ankyrin repeat domain containing 26; minus strand). Cytogenetic location: 10p12.1.
Variant type: single nucleotide variant.
Coding change: c.2944A>G on transcript NM_014915.3 (MANE Select); coding-DNA position 2944, A replaced by G.
Protein change: p.Thr982Ala; replaces threonine 982 with alanine.
Molecular consequence: missense variant.
Genome position (GRCh38, 1-based): chr10:27,035,506, T>C on the plus strand (A>G on the coding strand, the complement: ANKRD26 is on the minus strand). VCF-style: chr10-27035506-T-C. GRCh37 (hg19) VCF-style: chr10-27324435-T-C.
Other names: c.2941A>G, p.Thr981Ala (NM_001256053.2); short protein forms T981A, T982A.
Identifiers: ClinVar variation 3396638 (VCV003396638.1).
Genomic context (GRCh38, chr10:27,035,506, plus strand): 5'-GTCTTTCCTTGCTTTGCTTTTCATTCTCCAGTTTAGAATTTAGCATTGCATTCTCAGCTG[T>C]CAGAACACTAAGCCGTCCATTATACTGGGATATTGTTTGTGTTAATGTTTCCTCATTCTG-3'
Protein context (NP_055730.2, residues 972-992): SQYNGRLSVL[Thr982Ala]AENAMLNSKL

ClinVar aggregate classification (germline): Uncertain significance (1 of 4 stars; one submission).

Conditions:
Inborn genetic diseases. Identifiers: MedGen C0950123, MeSH D030342.

Submission:

Ambry Genetics
Classification: Uncertain significance for Inborn genetic diseases. Last evaluated: 2024-11-24. Review status: criteria provided, single submitter. Criteria: Ambry Variant Classification Scheme 2023. Collection method: clinical testing. Allele origin: germline.
Comment: The p.T982A variant (also known as c.2944A>G), located in coding exon 24 of the ANKRD26 gene, results from an A to G substitution at nucleotide position 2944. The threonine at codon 982 is replaced by alanine, an amino acid with similar properties. This amino acid position is conserved. In addition, this alteration is predicted to be tolerated by in silico analysis. Based on the available evidence, the clinical significance of this variant remains unclear.